The following is an entry in ClinVar:

NM_004168.4(SDHA):c.1769G>T (p.Gly590Val)

Gene: SDHA (succinate dehydrogenase complex flavoprotein subunit A; plus strand). Cytogenetic location: 5p15.33.
Variant type: single nucleotide variant.
Coding change: c.1769G>T on transcript NM_004168.4 (MANE Select); coding-DNA position 1769, G replaced by T.
Protein change: p.Gly590Val; replaces glycine 590 with valine.
Molecular consequence: missense variant. On other transcripts: intron variant (1).
Genome position (GRCh38, 1-based): chr5:251,443, G>T. VCF-style: chr5-251443-G-T. GRCh37 (hg19) VCF-style: chr5-251558-G-T.
Other names: c.1625G>T, p.Gly542Val (NM_001294332.2); c.1552-2950G>T (NM_001330758.2); short protein forms G542V, G590V.
Identifiers: ClinVar variation 4864232 (VCV004864232.1).
Genomic context (GRCh38, chr5:251,443, plus strand): 5'-ACCTGATGCTGTGTGCGCTGCAGACCATCTACGGAGCAGAGGCACGGAAGGAGTCACGGG[G>T]CGCGCATGCCAGGGAAGACTACAAGGTGGGCCTTCTCACCACGCCCACCTGCACCTGCCT-3'
Protein context (NP_004159.2, residues 580-600): YGAEARKESR[Gly590Val]AHAREDYKVR

ClinVar aggregate classification (germline): Uncertain significance (1 of 4 stars; one submission).

Conditions:
Hereditary cancer-predisposing syndrome. Also called: Neoplastic Syndromes, Hereditary; Tumor predisposition; Hereditary Cancer Syndrome; Hereditary neoplastic syndrome. Identifiers: Orphanet 140162, MedGen C0027672, MeSH D009386, MONDO:0015356.

Submission:

Ambry Genetics
Classification: Uncertain significance for Hereditary cancer-predisposing syndrome. Last evaluated: 2026-06-06. Review status: criteria provided, single submitter. Criteria: Ambry Variant Classification Scheme 2023. Collection method: clinical testing. Allele origin: germline.
Comment: The p.G590V variant (also known as c.1769G>T), located in coding exon 13 of the SDHA gene, results from a G to T substitution at nucleotide position 1769. The glycine at codon 590 is replaced by valine, an amino acid with dissimilar properties. This amino acid position is conserved. In addition, this alteration is predicted to be deleterious by in silico analysis. Based on the available evidence, the clinical significance of this variant remains unclear.